The following is an entry in ClinVar:

ClinVar aggregate classification (germline): Uncertain significance. Review status: criteria provided, multiple submitters, no conflicts (2 of 4 stars). 2 submissions from 2 submitters: Uncertain significance (2). Last evaluated 2024-02-11.

Allele frequency attached by ClinVar (database versions not stated): gnomAD exomes below 0.00001.
gnomAD v4.1: 4 of 1,613,892 alleles (0.00025%); highest among the groups gnomAD compares: African/African-American, 0.0013%; no homozygotes.

Submissions (2):

Labcorp Genetics (formerly Invitae), Labcorp
Classification: Uncertain significance. Last evaluated: 2024-02-11. Review status: criteria provided, single submitter. Criteria: Invitae Variant Classification Sherloc (09022015). Collection method: clinical testing. Allele origin: germline.
Comment: This sequence change replaces arginine, which is basic and polar, with tryptophan, which is neutral and slightly polar, at codon 329 of the KAT6A protein (p.Arg329Trp). This variant is not present in population databases (gnomAD no frequency). This variant has not been reported in the literature in individuals affected with KAT6A-related conditions. ClinVar contains an entry for this variant (Variation ID: 1704118). Advanced modeling of protein sequence and biophysical properties (such as structural, functional, and spatial information, amino acid conservation, physicochemical variation, residue mobility, and thermodynamic stability) performed at Invitae indicates that this missense variant is not expected to disrupt KAT6A protein function with a negative predictive value of 80%. In summary, the available evidence is currently insufficient to determine the role of this variant in disease. Therefore, it has been classified as a Variant of Uncertain Significance.

GeneDx
Classification: Uncertain significance. Last evaluated: 2022-03-04. Review status: criteria provided, single submitter. Criteria: GeneDx Variant Classification Process June 2021. Collection method: clinical testing. Allele origin: germline. Affected: yes.
Comment: Has not been previously published as pathogenic or benign to our knowledge; Not observed at significant frequency in large population cohorts (gnomAD); In silico analysis supports that this missense variant has a deleterious effect on protein structure/function

NM_006766.5(KAT6A):c.985C>T (p.Arg329Trp)

Gene: KAT6A (lysine acetyltransferase 6A; minus strand). Cytogenetic location: 8p11.21.
Variant type: single nucleotide variant.
Coding change: c.985C>T on transcript NM_006766.5 (MANE Select); coding-DNA position 985, C replaced by T.
Protein change: p.Arg329Trp; replaces arginine 329 with tryptophan.
Molecular consequence: missense variant.
Genome position (GRCh38, 1-based): chr8:41,978,700, G>A on the plus strand (C>T on the coding strand, the complement: KAT6A is on the minus strand). VCF-style: chr8-41978700-G-A. GRCh37 (hg19) VCF-style: chr8-41836218-G-A.
Other names: c.985C>T, p.Arg329Trp (NM_001305878.2); short protein forms R329W.
Identifiers: ClinVar variation 1704118 (VCV001704118.4), dbSNP rs1824194492, ClinGen allele CA371076696.